The following is an entry in ClinVar:

NM_177438.3(DICER1):c.5528A>G (p.Glu1843Gly)

Gene: DICER1 (dicer 1, ribonuclease III; minus strand). Cytogenetic location: 14q32.13.
Variant type: single nucleotide variant.
Coding change: c.5528A>G on transcript NM_177438.3 (MANE Select); coding-DNA position 5528, A replaced by G.
Protein change: p.Glu1843Gly; replaces glutamic acid 1843 with glycine.
Molecular consequence: missense variant. On other transcripts: non-coding transcript variant (6).
Genome position (GRCh38, 1-based): chr14:95,091,109, T>C on the plus strand (A>G on the coding strand, the complement: DICER1 is on the minus strand). VCF-style: chr14-95091109-T-C. GRCh37 (hg19) VCF-style: chr14-95557446-T-C.
Other names: c.5365A>G, p.Lys1789Glu (NM_001195573.1); c.5528A>G, p.Glu1843Gly (NM_001271282.3, NM_001291628.2, NM_001395677.1 and 8 more transcripts); c.5246A>G, p.Glu1749Gly (NM_001395686.1); c.5123A>G, p.Glu1708Gly (NM_001395687.1, NM_001395688.1, NM_001395689.1 and 1 more transcripts); c.4961A>G, p.Glu1654Gly (NM_001395691.1); c.3845A>G, p.Glu1282Gly (NM_001395697.1); short protein forms E1654G, E1749G, E1843G, K1789E, E1708G, E1282G.
Identifiers: ClinVar variation 1748100 (VCV001748100.2), dbSNP rs2542400833, ClinGen allele CA390864442.

ClinVar aggregate classification (germline): Uncertain significance (1 of 4 stars; one submission).

Conditions:
Hereditary cancer-predisposing syndrome. Also called: Hereditary Cancer Syndrome; Hereditary neoplastic syndrome; Neoplastic Syndromes, Hereditary; Tumor predisposition. Identifiers: Orphanet 140162, MedGen C0027672, MeSH D009386, MONDO:0015356.

Allele frequency attached by ClinVar (database versions not stated): gnomAD exomes below 0.00001.
gnomAD v4.1: 2 of 1,614,156 alleles (0.00012%); highest among the groups gnomAD compares: African/African-American, 0.0013%; no homozygotes.

Submission:

Ambry Genetics
Classification: Uncertain significance for Hereditary cancer-predisposing syndrome. Last evaluated: 2021-12-14. Review status: criteria provided, single submitter. Criteria: Ambry Variant Classification Scheme 2023. Collection method: clinical testing. Allele origin: germline.
Comment: The p.E1843G variant (also known as c.5528A>G), located in coding exon 25 of the DICER1 gene, results from an A to G substitution at nucleotide position 5528. This variant impacts the first base pair of coding exon 25. The glutamic acid at codon 1843 is replaced by glycine, an amino acid with similar properties. This amino acid position is highly conserved in available vertebrate species. The in silico prediction by BayesDel for this alteration is inconclusive. Since supporting evidence is limited at this time, the clinical significance of this alteration remains unclear.